The following is an entry in ClinVar:

NM_001114753.3(ENG):c.1429-8C>G

Genes: ENG (endoglin; minus strand), LOC102723566 (uncharacterized LOC102723566; plus strand). Cytogenetic location: 9q34.11.
Variant type: single nucleotide variant.
Coding change: c.1429-8C>G on transcript NM_001114753.3 (MANE Select); 8 bases into the intron before coding-DNA position 1429, C replaced by G.
Molecular consequence: intron variant. On other transcripts: non-coding transcript variant (1).
Genome position (GRCh38, 1-based): chr9:127,818,385, G>C on the plus strand (C>G on the coding strand, the complement: ENG is on the minus strand). VCF-style: chr9-127818385-G-C. GRCh37 (hg19) VCF-style: chr9-130580664-G-C.
Other names: c.1429-8C>G (NM_000118.4); c.883-8C>G (NM_001278138.2).
Identifiers: ClinVar variation 994140 (VCV000994140.11), dbSNP rs376169815, ClinGen allele CA5252766.

ClinVar aggregate classification (germline): Conflicting classifications of pathogenicity. Review status: criteria provided, conflicting classifications (1 of 4 stars). 2 submissions from 2 submitters: Uncertain significance (1); Likely benign (1). Last evaluated 2023-03-22.

Conditions:
Hereditary hemorrhagic telangiectasia (HHT). Also called: Osler hemorrhagic telangiectasia syndrome; ORW DISEASE; Osler Weber Rendu syndrome; OSLER-RENDU-WEBER DISEASE. Identifiers: Orphanet 774, MedGen C0039445, MONDO:0019180. Disease mechanism: loss of function.
Telangiectasia, hereditary hemorrhagic, type 1 (HHT1). Also called: Osler Weber Rendu syndrome type 1; ENG-Related Hereditary Hemorrhagic Telangiectasia. Identifiers: Orphanet 774, MedGen C4551861, MONDO:0008535, OMIM 187300. Disease mechanism: loss of function.

Allele frequency attached by ClinVar (database versions not stated): TOPMed 0.00003.
gnomAD v4.1: 11 of 1,612,898 alleles (0.00068%); highest among the groups gnomAD compares: African/African-American, 0.015%; no homozygotes.

Submissions (2):

Labcorp Genetics (formerly Invitae), Labcorp
Classification: Likely benign for Hereditary hemorrhagic telangiectasia. Last evaluated: 2023-03-22. Review status: criteria provided, single submitter. Criteria: Invitae Variant Classification Sherloc (09022015). Collection method: clinical testing. Allele origin: germline.

ARUP Laboratories, Molecular Genetics and Genomics, ARUP Laboratories
Classification: Uncertain significance for Telangiectasia, hereditary hemorrhagic, type 1. Last evaluated: 2020-04-29. Review status: criteria provided, single submitter. Criteria: ARUP Molecular Germline Variant Investigation Process. Collection method: clinical testing. Allele origin: germline.
Comment: The ENG c.1429-8C>G variant (rs376169815), to our knowledge, is not reported in the medical literature or gene-specific databases. This variant is found on only four chromosomes (4/278642 alleles) in the Genome Aggregation Database. This is an intronic variant in a moderately conserved nucleotide, and computational analyses (Alamut v.2.11) predict that this variant may impact splicing by weakening the nearby canonical acceptor splice site; however, RNA studies would be required to confirm this. Given the lack of clinical and functional data, the significance of the c.1429-8C>G variant is uncertain at this time.